The following is an entry in ClinVar:

NM_001927.4(DES):c.1288+20C>T

Gene: DES (desmin; plus strand). Cytogenetic location: 2q35.
Variant type: single nucleotide variant.
Coding change: c.1288+20C>T on transcript NM_001927.4 (MANE Select); 20 bases into the intron after coding-DNA position 1288, C replaced by T.
Molecular consequence: intron variant.
Genome position (GRCh38, 1-based): chr2:219,423,840, C>T. VCF-style: chr2-219423840-C-T. GRCh37 (hg19) VCF-style: chr2-220288562-C-T.
Other names: c.1288+20C>T (LRG_380t1).
Identifiers: ClinVar variation 381089 (VCV000381089.10), dbSNP rs200657337, ClinGen allele CA2125290.

ClinVar aggregate classification (germline): Likely benign. Review status: criteria provided, multiple submitters, no conflicts (2 of 4 stars). 4 submissions from 4 submitters: Likely benign (4). Last evaluated 2026-06-26.

Conditions:
Desmin-related myofibrillar myopathy (MFM1). Also called: MYOFIBRILLAR MYOPATHY WITH ARRHYTHMOGENIC RIGHT VENTRICULAR CARDIOMYOPATHY; DESMIN-RELATED MYOPATHY WITH ARRHYTHMOGENIC RIGHT VENTRICULAR CARDIOMYOPATHY; Myofibrillar myopathy 1; Desminopathy; Desmin related myopathy (former name); Desmin storage myopathy (former name). Identifiers: Orphanet 363543, Orphanet 98909, MedGen C1832370, MONDO:0011076, OMIM 601419.

Allele frequency attached by ClinVar (database versions not stated): ESP Exome Variant Server 0.00015; 1000 Genomes Project 30x 0.00016; gnomAD 0.00018; gnomAD exomes 0.00002; TOPMed 0.00024.
gnomAD v4.1: 58 of 1,613,138 alleles (0.0036%); highest among the groups gnomAD compares: African/African-American, 0.055%; no homozygotes.

Submissions (5):

Women's Health and Genetics/Laboratory Corporation of America, LabCorp
Classification: Likely benign. Last evaluated: 2026-06-26. Review status: criteria provided, single submitter. Criteria: LabCorp Variant Classification Summary - May 2015. Collection method: clinical testing. Allele origin: germline.

Labcorp Genetics (formerly Invitae), Labcorp
Classification: Likely benign for Desmin-related myofibrillar myopathy. Last evaluated: 2026-01-10. Review status: criteria provided, single submitter. Criteria: Invitae Variant Classification Sherloc (09022015). Collection method: clinical testing. Allele origin: germline.

ARUP Laboratories, Molecular Genetics and Genomics, ARUP Laboratories
Classification: Likely benign. Last evaluated: 2025-05-15. Review status: criteria provided, single submitter. Criteria: ARUP Molecular Germline Variant Investigation Process 2024. Collection method: clinical testing. Allele origin: germline.

GeneDx
Classification: Likely benign. Last evaluated: 2015-11-03. Review status: criteria provided, single submitter. Criteria: GeneDx Variant Classification (06012015). Collection method: clinical testing. Allele origin: germline. Affected: yes.
Comment: This variant is considered likely benign or benign based on one or more of the following criteria: it is a conservative change, it occurs at a poorly conserved position in the protein, it is predicted to be benign by multiple in silico algorithms, and/or has population frequency not consistent with disease.

Dr. Peter K. Rogan Lab, Western University
No classification provided (evidence only). Condition: Lung cancer. Review status: no classification provided. Collection method: in vitro. Allele origin: not applicable. Functional consequence: retained intron. Not counted in ClinVar's aggregate classification.